The following is an entry in ClinVar:

NM_001852.4(COL9A2):c.1735C>T (p.Arg579Trp)

Gene: COL9A2 (collagen type IX alpha 2 chain; minus strand). Cytogenetic location: 1p34.2.
Variant type: single nucleotide variant.
Coding change: c.1735C>T on transcript NM_001852.4 (MANE Select); coding-DNA position 1735, C replaced by T.
Protein change: p.Arg579Trp; replaces arginine 579 with tryptophan.
Molecular consequence: missense variant.
Genome position (GRCh38, 1-based): chr1:40,302,678, G>A on the plus strand (C>T on the coding strand, the complement: COL9A2 is on the minus strand). VCF-style: chr1-40302678-G-A. GRCh37 (hg19) VCF-style: chr1-40768350-G-A.
Other names: short protein forms R579W.
Identifiers: ClinVar variation 2049114 (VCV002049114.5), dbSNP rs1179226171, ClinGen allele CA339876041.

ClinVar aggregate classification (germline): Uncertain significance. Review status: criteria provided, multiple submitters, no conflicts (2 of 4 stars). 2 submissions from 2 submitters: Uncertain significance (2). Last evaluated 2025-03-03.

Allele frequency attached by ClinVar (database versions not stated): gnomAD exomes below 0.00001; TOPMed below 0.00001.
gnomAD v4.1: 6 of 1,597,648 alleles (0.00038%); highest among the groups gnomAD compares: Non-Finnish European, 0.00051%; no homozygotes.

Submissions (2):

Labcorp Genetics (formerly Invitae), Labcorp
Classification: Uncertain significance. Last evaluated: 2025-03-03. Review status: criteria provided, single submitter. Criteria: Invitae Variant Classification Sherloc (09022015). Collection method: clinical testing. Allele origin: germline.
Comment: This sequence change replaces arginine, which is basic and polar, with tryptophan, which is neutral and slightly polar, at codon 579 of the COL9A2 protein (p.Arg579Trp). The frequency data for this variant in the population databases is considered unreliable, as metrics indicate poor data quality at this position in the gnomAD database. This variant has not been reported in the literature in individuals affected with COL9A2-related conditions. ClinVar contains an entry for this variant (Variation ID: 2049114). An algorithm developed to predict the effect of missense changes on protein structure and function (PolyPhen-2) suggests that this variant is likely to be disruptive. In summary, the available evidence is currently insufficient to determine the role of this variant in disease. Therefore, it has been classified as a Variant of Uncertain Significance.

Blueprint Genetics
Classification: Uncertain significance. Last evaluated: 2023-01-23. Review status: criteria provided, single submitter. Criteria: ACMG Guidelines, 2015. Collection method: clinical testing. Allele origin: germline.